The following is an entry in ClinVar:

ClinVar aggregate classification (germline): Uncertain significance (1 of 4 stars; one submission).

Submission:

Ambry Genetics
Classification: Uncertain significance. Last evaluated: 2024-02-28. Review status: criteria provided, single submitter. Criteria: Ambry Variant Classification Scheme 2023. Collection method: clinical testing. Allele origin: germline.
Comment: The p.I69N variant (also known as c.206T>A), located in coding exon 3 of the BUB1 gene, results from a T to A substitution at nucleotide position 206. The isoleucine at codon 69 is replaced by asparagine, an amino acid with dissimilar properties. This amino acid position is conserved. In addition, the in silico prediction for this alteration is inconclusive. Based on the available evidence, the clinical significance of this alteration remains unclear.

NM_004336.5(BUB1):c.206T>A (p.Ile69Asn)

Gene: BUB1 (BUB1 mitotic checkpoint serine/threonine kinase; minus strand). Cytogenetic location: 2q13.
Variant type: single nucleotide variant.
Coding change: c.206T>A on transcript NM_004336.5 (MANE Select); coding-DNA position 206, T replaced by A.
Protein change: p.Ile69Asn; replaces isoleucine 69 with asparagine.
Molecular consequence: missense variant.
Genome position (GRCh38, 1-based): chr2:110,674,105, A>T on the plus strand (T>A on the coding strand, the complement: BUB1 is on the minus strand). VCF-style: chr2-110674105-A-T. GRCh37 (hg19) VCF-style: chr2-111431682-A-T.
Other names: c.146T>A, p.Ile49Asn (NM_001278616.2); c.206T>A, p.Ile69Asn (NM_001278617.2); short protein forms I49N, I69N.
Identifiers: ClinVar variation 3224031 (VCV003224031.1), dbSNP rs2468038559, ClinGen allele CA348221091.